The following is an entry in ClinVar:

ClinVar aggregate classification (germline): Uncertain significance. Review status: criteria provided, multiple submitters, no conflicts (2 of 4 stars). 3 submissions from 3 submitters: Uncertain significance (3). Last evaluated 2023-11-18.

Conditions:
Primary ciliary dyskinesia. Also called: Ciliary dyskinesia. Identifiers: Orphanet 244, MedGen C0008780, MONDO:0016575, HP:0012265.
Primary ciliary dyskinesia 19. Also called: CILIARY DYSKINESIA, PRIMARY, 19, WITH OR WITHOUT SITUS INVERSUS. Identifiers: Orphanet 244, MedGen C3543826, MONDO:0013979, OMIM 614935.

Allele frequency attached by ClinVar (database versions not stated): gnomAD exomes below 0.00001.
gnomAD v4.1: 5 of 1,612,498 alleles (0.00031%); highest among the groups gnomAD compares: Middle Eastern, 0.017%; no homozygotes.

Submissions (3):

Labcorp Genetics (formerly Invitae), Labcorp
Classification: Uncertain significance for Primary ciliary dyskinesia 19. Last evaluated: 2023-11-18. Review status: criteria provided, single submitter. Criteria: Invitae Variant Classification Sherloc (09022015). Collection method: clinical testing. Allele origin: germline.
Comment: This sequence change replaces lysine, which is basic and polar, with glutamine, which is neutral and polar, at codon 380 of the LRRC6 protein (p.Lys380Gln). This variant is present in population databases (no rsID available, gnomAD 0.0009%). This variant has not been reported in the literature in individuals affected with LRRC6-related conditions. Advanced modeling of protein sequence and biophysical properties (such as structural, functional, and spatial information, amino acid conservation, physicochemical variation, residue mobility, and thermodynamic stability) performed at Invitae indicates that this missense variant is expected to disrupt LRRC6 protein function with a positive predictive value of 80%. In summary, the available evidence is currently insufficient to determine the role of this variant in disease. Therefore, it has been classified as a Variant of Uncertain Significance.

Ambry Genetics
Classification: Uncertain significance for Primary ciliary dyskinesia. Last evaluated: 2023-08-30. Review status: criteria provided, single submitter. Criteria: Ambry Variant Classification Scheme 2023. Collection method: clinical testing. Allele origin: germline.
Comment: The p.K380Q variant (also known as c.1138A>C), located in coding exon 10 of the LRRC6 gene, results from an A to C substitution at nucleotide position 1138. The lysine at codon 380 is replaced by glutamine, an amino acid with similar properties. This amino acid position is conserved. In addition, this alteration is predicted to be deleterious by in silico analysis. Since supporting evidence is limited at this time, the clinical significance of this alteration remains unclear.

Blueprint Genetics
Classification: Uncertain significance. Last evaluated: 2022-04-27. Review status: criteria provided, single submitter. Criteria: ACMG Guidelines, 2015. Collection method: clinical testing. Allele origin: germline.

NM_012472.6(DNAAF11):c.1138A>C (p.Lys380Gln)

Gene: DNAAF11 (dynein axonemal assembly factor 11; minus strand). Cytogenetic location: 8q24.22.
Variant type: single nucleotide variant.
Coding change: c.1138A>C on transcript NM_012472.6 (MANE Select); coding-DNA position 1138, A replaced by C.
Protein change: p.Lys380Gln; replaces lysine 380 with glutamine.
Molecular consequence: missense variant. On other transcripts: non-coding transcript variant (10).
Genome position (GRCh38, 1-based): chr8:132,610,168, T>G on the plus strand (A>C on the coding strand, the complement: DNAAF11 is on the minus strand). VCF-style: chr8-132610168-T-G. GRCh37 (hg19) VCF-style: chr8-133622414-T-G.
Other names: c.1078A>C, p.Lys360Gln (NM_001321961.2); c.892A>C, p.Lys298Gln (NM_001321962.2); c.778A>C, p.Lys260Gln (NM_001321963.2, NM_001321964.2, NM_001321965.2); c.718A>C, p.Lys240Gln (NM_001321966.2); short protein forms K260Q, K298Q, K240Q, K360Q, K380Q.
Identifiers: ClinVar variation 2625021 (VCV002625021.6), dbSNP rs916523057, ClinGen allele CA186272646.
Genomic context (GRCh38, chr8:132,610,168, plus strand): 5'-AGTTCCTTCAGGAACCCTCATATCCAGACTTGAAATTGACCCAAATGACATGACCTACCT[T>G]GGGCATGCAGATGACCAAATGACCCGTTGTCTGAGATCTTTTAGCAGAACTACTATCGGG-3'
Protein context (NP_036604.2, residues 370-390): TTGHLVICMP[Lys380Gln]VGEVITGGQR